The following is an entry in ClinVar:

NM_021813.4(BACH2):c.15G>A (p.Glu5=)

Gene: BACH2 (BACH transcriptional regulator 2; minus strand). Cytogenetic location: 6q15.
Variant type: single nucleotide variant.
Coding change: c.15G>A on transcript NM_021813.4 (MANE Select); coding-DNA position 15, G replaced by A.
Protein change: p.Glu5=; no amino-acid change (glutamic acid 5 retained).
Molecular consequence: synonymous variant.
Genome position (GRCh38, 1-based): chr6:90,008,830, C>T on the plus strand (G>A on the coding strand, the complement: BACH2 is on the minus strand). VCF-style: chr6-90008830-C-T. GRCh37 (hg19) VCF-style: chr6-90718549-C-T.
Other names: p.Glu5=; c.15G>A, p.Glu5= (NM_001170794.2); c.15G>A (NM_021813.3).
Identifiers: ClinVar variation 778006 (VCV000778006.39), dbSNP rs45447599, ClinGen allele CA3928239.

ClinVar aggregate classification (germline): Benign/Likely benign. Review status: criteria provided, multiple submitters, no conflicts (2 of 4 stars). 8 submissions from 8 submitters: Benign (3); Likely benign (2). 3 of the submissions do not count toward it. Last evaluated 2026-08-01.

Conditions:
BACH2-related disorder. Also called: BACH2-related condition.
Immunodeficiency 60. Also called: IMMUNODEFICIENCY AND AUTOIMMUNITY, BACH2-RELATED; IMMUNODEFICIENCY 60 AND AUTOIMMUNITY. Identifiers: MedGen C5193072, MONDO:0032723, OMIM 618394.

Allele frequency attached by ClinVar (database versions not stated): 1000 Genomes Project 0.00120; 1000 Genomes Project 30x 0.00141; gnomAD exomes 0.00241 and 0.00404; ExAC 0.00250; gnomAD 0.00268 and 0.00283; TOPMed 0.00321; ESP Exome Variant Server 0.00384.
gnomAD v4.1: 6,279 of 1,614,030 alleles (0.39%); highest among the groups gnomAD compares: Non-Finnish European, 0.48%; 16 homozygotes.

Submissions (8):

CeGaT Center for Human Genetics Tuebingen
Classification: Benign. Last evaluated: 2026-08-01. Review status: criteria provided, single submitter. Criteria: CeGaT Center For Human Genetics Tuebingen Variant Classification Criteria Version 2. Collection method: clinical testing. Allele origin: germline. Affected: yes. Observed: 5 variant alleles.
Comment: BACH2: BP4, BS1, BS2

Labcorp Genetics (formerly Invitae), Labcorp
Classification: Benign. Last evaluated: 2026-01-27. Review status: criteria provided, single submitter. Criteria: Invitae Variant Classification Sherloc (09022015). Collection method: clinical testing. Allele origin: germline.

Mayo Clinic Laboratories, Mayo Clinic
Classification: Benign. Last evaluated: 2025-09-04. Review status: criteria provided, single submitter. Criteria: ACMG Guidelines, 2015. Collection method: clinical testing. Allele origin: germline. Observed: 1 variant allele.
Comment: BS1, BS2, BP4, BP7

Blueprint Genetics
Classification: Likely benign. Last evaluated: 2024-11-13. Review status: criteria provided, single submitter. Criteria: ACMG Guidelines, 2015. Collection method: clinical testing. Allele origin: germline.

Fulgent Genetics
Classification: Likely benign for Immunodeficiency 60. Last evaluated: 2021-09-16. Review status: criteria provided, single submitter. Criteria: ACMG Guidelines, 2015. Collection method: clinical testing. Allele origin: unknown.

PreventionGenetics, part of Exact Sciences
Classification: Likely benign for BACH2-related condition. Last evaluated: 2019-04-29. Review status: no assertion criteria provided. Collection method: clinical testing. Allele origin: germline. Not counted in ClinVar's aggregate classification.
Comment: This variant is classified as likely benign based on ACMG/AMP sequence variant interpretation guidelines (Richards et al. 2015 PMID: 25741868, with internal and published modifications).

Clinical Genetics DNA and cytogenetics Diagnostics Lab, Erasmus MC, Erasmus Medical Center
Classification: Likely benign. Review status: no assertion criteria provided. Collection method: clinical testing. Allele origin: germline. Affected: yes. Study: VKGL Data-share Consensus. Not counted in ClinVar's aggregate classification.

Genome Diagnostics Laboratory, University Medical Center Utrecht
Classification: Likely benign. Review status: no assertion criteria provided. Collection method: clinical testing. Allele origin: germline. Affected: yes. Study: VKGL Data-share Consensus. Not counted in ClinVar's aggregate classification.